The following is an entry in ClinVar:

NM_000059.4(BRCA2):c.4514C>G (p.Thr1505Ser)

Gene: BRCA2 (BRCA2 DNA repair associated; plus strand). Cytogenetic location: 13q13.1.
Variant type: single nucleotide variant.
Coding change: c.4514C>G on transcript NM_000059.4 (MANE Select); coding-DNA position 4514, C replaced by G.
Protein change: p.Thr1505Ser; replaces threonine 1505 with serine.
Molecular consequence: missense variant.
Genome position (GRCh38, 1-based): chr13:32,338,869, C>G. VCF-style: chr13-32338869-C-G. GRCh37 (hg19) VCF-style: chr13-32913006-C-G.
Other names: c.4514C>G, p.Thr1505Ser (NM_001406719.1, NM_001406720.1); short protein forms T1505S.
Identifiers: ClinVar variation 1717266 (VCV001717266.7), dbSNP rs1566230463, ClinGen allele CA387781634.

ClinVar aggregate classification (germline): Conflicting classifications of pathogenicity. Review status: criteria provided, conflicting classifications (1 of 4 stars). 2 submissions from 2 submitters: Uncertain significance (1); Likely benign (1). Last evaluated 2023-03-23.

Conditions:
Hereditary cancer-predisposing syndrome. Also called: Hereditary neoplastic syndrome; Neoplastic Syndromes, Hereditary; Hereditary Cancer Syndrome; Tumor predisposition. Identifiers: Orphanet 140162, MedGen C0027672, MeSH D009386, MONDO:0015356.
Hereditary breast ovarian cancer syndrome. Also called: BRCA1- and BRCA2-Associated Hereditary Breast and Ovarian Cancer; Hereditary breast and ovarian cancer syndrome (HBOC); Hereditary breast and/or ovarian cancer syndrome; Hereditary breast and ovarian cancer syndrome; Hereditary breast and ovarian cancer; Breast and ovarian cancer. Identifiers: Orphanet 145, MedGen C0677776, MeSH D061325, MONDO:0003582. Disease mechanism: loss of function.

Submissions (2):

University of Washington Department of Laboratory Medicine, University of Washington
Classification: Likely benign for Hereditary cancer-predisposing syndrome. Last evaluated: 2023-03-23. Review status: criteria provided, single submitter. Criteria: Dines et al. (Genet Med. 2020). Collection method: curation. Allele origin: germline.
Comment: Missense variant in a coldspot region where missense variants are very unlikely to be pathogenic (PMID:31911673).

BRCA2 exon 11 coldspot. Reclassification based on statistical prior probability.

Labcorp Genetics (formerly Invitae), Labcorp
Classification: Uncertain significance for Hereditary breast ovarian cancer syndrome. Last evaluated: 2022-08-21. Review status: criteria provided, single submitter. Criteria: Invitae Variant Classification Sherloc (09022015). Collection method: clinical testing. Allele origin: germline.
Comment: In summary, the available evidence is currently insufficient to determine the role of this variant in disease. Therefore, it has been classified as a Variant of Uncertain Significance. Advanced modeling of protein sequence and biophysical properties (such as structural, functional, and spatial information, amino acid conservation, physicochemical variation, residue mobility, and thermodynamic stability) performed at Invitae indicates that this missense variant is not expected to disrupt BRCA2 protein function. This variant has not been reported in the literature in individuals affected with BRCA2-related conditions. This variant is not present in population databases (gnomAD no frequency). This sequence change replaces threonine, which is neutral and polar, with serine, which is neutral and polar, at codon 1505 of the BRCA2 protein (p.Thr1505Ser).